The following is an entry in ClinVar:

NM_006662.3(SRCAP):c.9050C>G (p.Pro3017Arg)

Gene: SRCAP (Snf2 related CREBBP activator protein; plus strand). Cytogenetic location: 16p11.2.
Variant type: single nucleotide variant.
Coding change: c.9050C>G on transcript NM_006662.3 (MANE Select); coding-DNA position 9050, C replaced by G.
Protein change: p.Pro3017Arg; replaces proline 3017 with arginine.
Molecular consequence: missense variant.
Genome position (GRCh38, 1-based): chr16:30,739,090, C>G. VCF-style: chr16-30739090-C-G. GRCh37 (hg19) VCF-style: chr16-30750411-C-G.
Other names: short protein forms P3017R.
Identifiers: ClinVar variation 4845527 (VCV004845527.1).
Genomic context (GRCh38, chr16:30,739,090, plus strand): 5'-CCATTTCAACGTCCCCACCCAAACGGAAGAGGGGCCGACCTCCCAAGAATCCTCCATCAC[C>G]TCGGCCCAGCCAGCTCCCCGTCTTGGACCGTGACAGCACTTCTGTTCTCGAGAGCTGTGG-3'
Protein context (NP_006653.2, residues 3007-3027): RGRPPKNPPS[Pro3017Arg]RPSQLPVLDR

ClinVar aggregate classification (germline): Uncertain significance (1 of 4 stars; one submission).

Submission:

Greenwood Genetic Center Diagnostic Laboratories, Greenwood Genetic Center
Classification: Uncertain significance. Last evaluated: 2025-12-12. Review status: criteria provided, single submitter. Criteria: ACMG Guidelines, 2015. Collection method: clinical testing. Allele origin: germline. Affected: yes.
Comment: PM2